The following is an entry in ClinVar:

ClinVar aggregate classification (germline): Pathogenic. Review status: criteria provided, multiple submitters, no conflicts (2 of 4 stars). 2 submissions from 2 submitters: Pathogenic (2). Last evaluated 2025-11-08.

Conditions:
Stickler syndrome type 1 (STL1). Also called: ARTHROOPHTHALMOPATHY, HEREDITARY PROGRESSIVE; STICKLER SYNDROME, MEMBRANOUS VITREOUS TYPE; STICKLER SYNDROME, VITREOUS TYPE 1; COL2A1-Related Stickler Syndrome. Identifiers: Orphanet 828, Orphanet 90653, MedGen C2020284, MONDO:0007160, OMIM 108300.

Submissions (2):

Labcorp Genetics (formerly Invitae), Labcorp
Classification: Pathogenic. Last evaluated: 2025-11-08. Review status: criteria provided, single submitter. Criteria: Invitae Variant Classification Sherloc (09022015). Collection method: clinical testing. Allele origin: germline.
Comment: This sequence change affects an acceptor splice site in intron 28 of the COL2A1 gene. It is expected to disrupt RNA splicing. Variants that disrupt the donor or acceptor splice site typically lead to a loss of protein function (PMID: 16199547), and loss-of-function variants in COL2A1 are known to be pathogenic (PMID: 20179744). This variant is not present in population databases (gnomAD no frequency). Disruption of this splice site has been observed in individuals with clinical features of autosomal dominant Stickler syndrome (PMID: 20179744; internal data). Algorithms developed to predict the effect of sequence changes on RNA splicing suggest that this variant may disrupt the consensus splice site. For these reasons, this variant has been classified as Pathogenic.

MVZ Martinsried, Medicover Genetics
Classification: Pathogenic for Stickler syndrome type 1. Last evaluated: 2025-01-30. Review status: criteria provided, single submitter. Criteria: ACGS Guidelines, 2020. Collection method: clinical testing. Allele origin: unknown. Affected: yes. Observed: 1 heterozygote.

Literature cited by the submitters: PubMed 16199547 (cited by Labcorp Genetics (formerly Invitae), Labcorp); PubMed 20179744 (cited by Labcorp Genetics (formerly Invitae), Labcorp).

NM_001844.5(COL2A1):c.1888-2A>C

Gene: COL2A1 (collagen type II alpha 1 chain; minus strand). Cytogenetic location: 12q13.11.
Variant type: single nucleotide variant.
Coding change: c.1888-2A>C on transcript NM_001844.5 (MANE Select); the canonical splice acceptor site of the intron before coding-DNA position 1888, A replaced by C.
Molecular consequence: splice acceptor variant.
Genome position (GRCh38, 1-based): chr12:47,984,142, T>G on the plus strand (A>C on the coding strand, the complement: COL2A1 is on the minus strand). VCF-style: chr12-47984142-T-G. GRCh37 (hg19) VCF-style: chr12-48377925-T-G.
Other names: c.1681-2A>C (NM_033150.3).
Identifiers: ClinVar variation 4730430 (VCV004730430.2).